The following is an entry in ClinVar:

ClinVar aggregate classification (germline): Uncertain significance. Review status: criteria provided, multiple submitters, no conflicts (2 of 4 stars). 2 submissions from 2 submitters: Uncertain significance (2). Last evaluated 2024-04-27.

gnomAD v4.1: 5 of 1,536,228 alleles (0.00033%); highest among the groups gnomAD compares: African/African-American, 0.0055%; no homozygotes.

Submissions (2):

Labcorp Genetics (formerly Invitae), Labcorp
Classification: Uncertain significance. Last evaluated: 2024-04-27. Review status: criteria provided, single submitter. Criteria: Invitae Variant Classification Sherloc (09022015). Collection method: clinical testing. Allele origin: germline.
Comment: This sequence change replaces serine, which is neutral and polar, with phenylalanine, which is neutral and non-polar, at codon 38 of the ARID1B protein (p.Ser38Phe). This variant is not present in population databases (gnomAD no frequency). This variant has not been reported in the literature in individuals affected with ARID1B-related conditions. Experimental studies and prediction algorithms are not available or were not evaluated, and the functional significance of this variant is currently unknown. In summary, the available evidence is currently insufficient to determine the role of this variant in disease. Therefore, it has been classified as a Variant of Uncertain Significance.

Blueprint Genetics
Classification: Uncertain significance. Last evaluated: 2022-08-15. Review status: criteria provided, single submitter. Criteria: ACMG Guidelines, 2015. Collection method: clinical testing. Allele origin: germline.

NM_001374828.1(ARID1B):c.362C>T (p.Ser121Phe)

Genes: ARID1B (AT-rich interaction domain 1B; plus strand), LOC115308161 (uncharacterized LOC115308161; minus strand). Cytogenetic location: 6q25.3.
Variant type: single nucleotide variant.
Coding change: c.362C>T on transcript NM_001374828.1 (MANE Select); coding-DNA position 362, C replaced by T.
Protein change: p.Ser121Phe; replaces serine 121 with phenylalanine.
Molecular consequence: missense variant.
Genome position (GRCh38, 1-based): chr6:156,778,042, C>T. VCF-style: chr6-156778042-C-T. GRCh37 (hg19) VCF-style: chr6-157099176-C-T.
Other names: c.362C>T, p.Ser121Phe (NM_001371656.1, NM_001374820.1, NM_017519.3); short protein forms S121F.
Identifiers: ClinVar variation 3730390 (VCV003730390.3).